The following is an entry in ClinVar:

ClinVar aggregate classification (germline): Uncertain significance (1 of 4 stars; one submission).

Allele frequency attached by ClinVar (database versions not stated): gnomAD 0.00003; gnomAD exomes 0.00004 and 0.00008; ExAC 0.00009; 1000 Genomes Project 30x 0.00016; 1000 Genomes Project 0.00020.
gnomAD v4.1: 59 of 1,614,100 alleles (0.0037%); highest among the groups gnomAD compares: South Asian, 0.065%; no homozygotes.

Submission:

Labcorp Genetics (formerly Invitae), Labcorp
Classification: Uncertain significance. Last evaluated: 2025-04-17. Review status: criteria provided, single submitter. Criteria: Invitae Variant Classification Sherloc (09022015). Collection method: clinical testing. Allele origin: germline.
Comment: This sequence change replaces glutamic acid, which is acidic and polar, with glutamine, which is neutral and polar, at codon 46 of the TFRC protein (p.Glu46Gln). This variant is present in population databases (rs541010181, gnomAD 0.06%), and has an allele count higher than expected for a pathogenic variant. This variant has not been reported in the literature in individuals affected with TFRC-related conditions. ClinVar contains an entry for this variant (Variation ID: 1521293). An algorithm developed to predict the effect of missense changes on protein structure and function (PolyPhen-2) suggests that this variant is likely to be disruptive. In summary, the available evidence is currently insufficient to determine the role of this variant in disease. Therefore, it has been classified as a Variant of Uncertain Significance.

NM_001128148.3(TFRC):c.136G>C (p.Glu46Gln)

Gene: TFRC (transferrin receptor; minus strand). Cytogenetic location: 3q29.
Variant type: single nucleotide variant.
Coding change: c.136G>C on transcript NM_001128148.3 (MANE Select); coding-DNA position 136, G replaced by C.
Protein change: p.Glu46Gln; replaces glutamic acid 46 with glutamine.
Molecular consequence: missense variant. On other transcripts: intron variant (2).
Genome position (GRCh38, 1-based): chr3:196,075,261, C>G on the plus strand (G>C on the coding strand, the complement: TFRC is on the minus strand). VCF-style: chr3-196075261-C-G. GRCh37 (hg19) VCF-style: chr3-195802132-C-G.
Other names: c.136G>C, p.Glu46Gln (NM_003234.4); c.-413+1803G>C (NM_001313966.2); c.-5-1136G>C (NM_001313965.2); short protein forms E46Q.
Identifiers: ClinVar variation 1521293 (VCV001521293.8), dbSNP rs541010181, ClinGen allele CA2778391.